The following is an entry in ClinVar:

ClinVar aggregate classification (germline): Uncertain significance (1 of 4 stars; one submission).

Conditions:
Adams-Oliver syndrome 5 (AOS5). Identifiers: Orphanet 974, MedGen C4014970, MONDO:0014459, OMIM 616028.

Submission:

Labcorp Genetics (formerly Invitae), Labcorp
Classification: Uncertain significance for Adams-Oliver syndrome 5. Last evaluated: 2025-11-09. Review status: criteria provided, single submitter. Criteria: Invitae Variant Classification Sherloc (09022015). Collection method: clinical testing. Allele origin: germline.
Comment: This sequence change replaces phenylalanine, which is neutral and non-polar, with isoleucine, which is neutral and non-polar, at codon 52 of the NOTCH1 protein (p.Phe52Ile). This variant is not present in population databases (gnomAD no frequency). This variant has not been reported in the literature in individuals affected with NOTCH1-related conditions. Invitae Evidence Modeling of protein sequence and biophysical properties (such as structural, functional, and spatial information, amino acid conservation, physicochemical variation, residue mobility, and thermodynamic stability) indicates that this missense variant is not expected to disrupt NOTCH1 protein function with a negative predictive value of 95%. In summary, the available evidence is currently insufficient to determine the role of this variant in disease. Therefore, it has been classified as a Variant of Uncertain Significance.

NM_017617.5(NOTCH1):c.154T>A (p.Phe52Ile)

Gene: NOTCH1 (notch receptor 1; minus strand). Cytogenetic location: 9q34.3.
Variant type: single nucleotide variant.
Coding change: c.154T>A on transcript NM_017617.5 (MANE Select); coding-DNA position 154, T replaced by A.
Protein change: p.Phe52Ile; replaces phenylalanine 52 with isoleucine.
Molecular consequence: missense variant.
Genome position (GRCh38, 1-based): chr9:136,523,966, A>T on the plus strand (T>A on the coding strand, the complement: NOTCH1 is on the minus strand). VCF-style: chr9-136523966-A-T. GRCh37 (hg19) VCF-style: chr9-139418418-A-T.
Other names: short protein forms F52I.
Identifiers: ClinVar variation 4801901 (VCV004801901.1).